The following is an entry in ClinVar:

NM_020365.5(EIF2B3):c.673C>T (p.Arg225Trp)

Gene: EIF2B3 (eukaryotic translation initiation factor 2B subunit gamma; minus strand). Cytogenetic location: 1p34.1.
Variant type: single nucleotide variant.
Coding change: c.673C>T on transcript NM_020365.5 (MANE Select); coding-DNA position 673, C replaced by T.
Protein change: p.Arg225Trp; replaces arginine 225 with tryptophan.
Molecular consequence: missense variant.
Genome position (GRCh38, 1-based): chr1:44,881,723, G>A on the plus strand (C>T on the coding strand, the complement: EIF2B3 is on the minus strand). VCF-style: chr1-44881723-G-A. GRCh37 (hg19) VCF-style: chr1-45347395-G-A.
Other names: c.673C>T, p.Arg225Trp (NM_001166588.3, NM_001261418.2); short protein forms R225W.
Identifiers: ClinVar variation 1517841 (VCV001517841.8), dbSNP rs766866104, ClinGen allele CA823938.
Genomic context (GRCh38, chr1:44,881,723, plus strand): 5'-CCTGTTGTGAGGAAGCTGAGGAAAACTGTTTTCTCACTAAATATGGAATCAGTTCACTCC[G>A]GATAGAAGTTATTGACCTAGAAAGAAAGAATGGCCAAATATGAGAAACCTGACTGTCTGG-3'
Protein context (NP_065098.1, residues 215-235): LMENGSITSI[Arg225Trp]SELIPYLVRK

ClinVar aggregate classification (germline): Likely pathogenic. Review status: criteria provided, multiple submitters, no conflicts (2 of 4 stars). 3 submissions from 3 submitters: Likely pathogenic (3). Last evaluated 2025-03-19.

Conditions:
Leukoencephalopathy with vanishing white matter 3 (VWM3). Also called: Leukoencephalopathy with vanishing white matter 3, with or without ovarian failure; EIF2B3-Related Childhood Ataxia with Central Nervous System Hypomyelination/Vanishing White Matter. Identifiers: MedGen C5830405, MONDO:0957871, OMIM 620313.
Vanishing white matter disease. Also called: CACH syndrome; Childhood ataxia with diffuse central nervous system hypomyelination; Leukoencephalopathy with vanishing white matter; CACH/VWM syndrome; Cree leukoencehalopathy. Identifiers: Orphanet 135, Orphanet 99853, MedGen C1858991, MONDO:0800448.

Allele frequency attached by ClinVar (database versions not stated): gnomAD 0.00005; TOPMed 0.00006; gnomAD exomes below 0.00001; ExAC 0.00001.
gnomAD v4.1: 21 of 1,613,946 alleles (0.0013%); highest among the groups gnomAD compares: Non-Finnish European, 0.0011%; no homozygotes.

Submissions (3):

Women's Health and Genetics/Laboratory Corporation of America, LabCorp
Classification: Likely pathogenic for Vanishing white matter disease. Last evaluated: 2025-03-19. Review status: criteria provided, single submitter. Criteria: LabCorp Variant Classification Summary - May 2015. Collection method: clinical testing. Allele origin: germline.
Comment: Variant summary: EIF2B3 c.673C>T (p.Arg225Trp) results in a non-conservative amino acid change in the encoded protein sequence. Five of five in-silico tools predict a damaging effect of the variant on protein function. The variant allele was found at a frequency of 4e-06 in 251430 control chromosomes. The available data on variant occurrences in the general population are insufficient to allow any conclusion about variant significance. c.673C>T has been reported in the literature in individuals affected with Leukoencephalopathy With Vanishing White Matter (Wongkittichote_2022, Labcorp Genetics (formerly Invitae)). These data indicates that this variant may be associated with Leukoencephalopathy With Vanishing White Matter. Another variant that disrupts this residue, c.674G>A (p.R225Q) has been reported in individuals with leukoencephalopathy with vanishing white matter (PMID: 11835386, 15776425, 19158808, 25761052) and thus has been classified as pathogenic in ClinVar (Labcorp Genetics (formerly Invitae). To our knowledge, no experimental evidence demonstrating an impact on protein function has been reported. ClinVar contains an entry for this variant (Variation ID: 1517841). Based on the evidence outlined above, the variant was classified as likely pathogenic.

Fulgent Genetics
Classification: Likely pathogenic for Leukoencephalopathy with vanishing white matter 3. Last evaluated: 2024-06-25. Review status: criteria provided, single submitter. Criteria: ACMG Guidelines, 2015. Collection method: clinical testing. Allele origin: germline.

Labcorp Genetics (formerly Invitae), Labcorp
Classification: Likely pathogenic. Last evaluated: 2023-08-24. Review status: criteria provided, single submitter. Criteria: Invitae Variant Classification Sherloc (09022015). Collection method: clinical testing. Allele origin: germline.
Comment: In summary, the currently available evidence indicates that the variant is pathogenic, but additional data are needed to prove that conclusively. Therefore, this variant has been classified as Likely Pathogenic. This variant disrupts the p.Arg225 amino acid residue in EIF2B3. Other variant(s) that disrupt this residue have been determined to be pathogenic (PMID: 11835386, 15776425, 19158808, 25761052). This suggests that this residue is clinically significant, and that variants that disrupt this residue are likely to be disease-causing. Advanced modeling of protein sequence and biophysical properties (such as structural, functional, and spatial information, amino acid conservation, physicochemical variation, residue mobility, and thermodynamic stability) performed at Invitae indicates that this missense variant is expected to disrupt EIF2B3 protein function. ClinVar contains an entry for this variant (Variation ID: 1517841). This missense change has been observed in individual(s) with clinical features of leukoencephalopathy with vanishing white matter (Invitae). In at least one individual the data is consistent with being in trans (on the opposite chromosome) from a pathogenic variant. This variant is present in population databases (rs766866104, gnomAD 0.0009%). This sequence change replaces arginine, which is basic and polar, with tryptophan, which is neutral and slightly polar, at codon 225 of the EIF2B3 protein (p.Arg225Trp).

Literature cited by the submitters: PubMed 35783294 (cited by Women's Health and Genetics/Laboratory Corporation of America, LabCorp); PubMed 11835386 (cited by Labcorp Genetics (formerly Invitae), Labcorp); PubMed 15776425 (cited by Labcorp Genetics (formerly Invitae), Labcorp); PubMed 19158808 (cited by Labcorp Genetics (formerly Invitae), Labcorp); PubMed 25761052 (cited by Labcorp Genetics (formerly Invitae), Labcorp).